The following is an entry in ClinVar:

ClinVar aggregate classification (germline): Benign/Likely benign. Review status: criteria provided, multiple submitters, no conflicts (2 of 4 stars). 3 submissions from 3 submitters: Benign (1); Likely benign (1). 1 of the submissions does not count toward it. Last evaluated 2026-02-02.

Conditions:
PTPN23-related disorder. Also called: PTPN23-related condition.

Allele frequency attached by ClinVar (database versions not stated): gnomAD 0.00011 and 0.00015; gnomAD exomes 0.00012 and 0.00039; TOPMed 0.00014; ExAC 0.00044; 1000 Genomes Project 30x 0.00078; 1000 Genomes Project 0.00080.
gnomAD v4.1: 194 of 1,569,432 alleles (0.012%); highest among the groups gnomAD compares: East Asian, 0.29%; no homozygotes.

Submissions (3):

Labcorp Genetics (formerly Invitae), Labcorp
Classification: Benign. Last evaluated: 2026-02-02. Review status: criteria provided, single submitter. Criteria: Invitae Variant Classification Sherloc (09022015). Collection method: clinical testing. Allele origin: germline.

Blueprint Genetics
Classification: Likely benign. Last evaluated: 2024-11-11. Review status: criteria provided, single submitter. Criteria: ACMG Guidelines, 2015. Collection method: clinical testing. Allele origin: germline.

PreventionGenetics, part of Exact Sciences
Classification: Likely benign for PTPN23-related condition. Last evaluated: 2019-04-15. Review status: no assertion criteria provided. Collection method: clinical testing. Allele origin: germline. Not counted in ClinVar's aggregate classification.
Comment: This variant is classified as likely benign based on ACMG/AMP sequence variant interpretation guidelines (Richards et al. 2015 PMID: 25741868, with internal and published modifications).

NM_015466.4(PTPN23):c.2136G>A (p.Leu712=)

Gene: PTPN23 (protein tyrosine phosphatase non-receptor type 23; plus strand). Cytogenetic location: 3p21.31.
Variant type: single nucleotide variant.
Coding change: c.2136G>A on transcript NM_015466.4 (MANE Select); coding-DNA position 2136, G replaced by A.
Protein change: p.Leu712=; no amino-acid change (leucine 712 retained).
Molecular consequence: synonymous variant.
Genome position (GRCh38, 1-based): chr3:47,409,934, G>A. VCF-style: chr3-47409934-G-A. GRCh37 (hg19) VCF-style: chr3-47451424-G-A.
Other names: c.1758G>A, p.Leu586= (NM_001304482.2); c.2136G>A (NM_015466.3).
Identifiers: ClinVar variation 1600489 (VCV001600489.11), dbSNP rs539926264, ClinGen allele CA2365951.
Genomic context (GRCh38, chr3:47,409,934, plus strand): 5'-GACAGGCTGGGGTGATGGGAGCCTGGCCCCACTTTTTCCTTGCCTGTCGCACAGGGAGCT[G>A]AAGAAGAAGCCGCCGCCACGGCCCACAGCCCCAAAGCCGCTGCTGCCCCGCAGGGAGGAG-3'
Protein context (NP_056281.1, residues 702-722): AARQQLLDRE[Leu712=]KKKPPPRPTA